The following is an entry in ClinVar:

ClinVar aggregate classification (germline): Uncertain significance (1 of 4 stars; one submission).

Conditions:
Gastrointestinal stromal tumor. Also called: Gastrointestinal stromal tumor, somatic; Gastrointestinal stroma tumor. Identifiers: Orphanet 44890, MedGen C0238198, MeSH D046152, MONDO:0011719, OMIM 606764, HP:0100723.

Submission:

Labcorp Genetics (formerly Invitae), Labcorp
Classification: Uncertain significance for Gastrointestinal stromal tumor. Last evaluated: 2021-10-24. Review status: criteria provided, single submitter. Criteria: Invitae Variant Classification Sherloc (09022015). Collection method: clinical testing. Allele origin: germline.
Comment: This variant has not been reported in the literature in individuals affected with PDGFRA-related conditions. Algorithms developed to predict the effect of missense changes on protein structure and function output the following: SIFT: "Tolerated"; PolyPhen-2: "Benign"; Align-GVGD: "Class C0". The histidine amino acid residue is found in multiple mammalian species, which suggests that this missense change does not adversely affect protein function. In summary, the available evidence is currently insufficient to determine the role of this variant in disease. Therefore, it has been classified as a Variant of Uncertain Significance. This variant is not present in population databases (ExAC no frequency). This sequence change replaces tyrosine with histidine at codon 136 of the PDGFRA protein (p.Tyr136His). The tyrosine residue is weakly conserved and there is a moderate physicochemical difference between tyrosine and histidine.

NM_006206.6(PDGFRA):c.406T>C (p.Tyr136His)

Gene: PDGFRA (platelet derived growth factor receptor alpha; plus strand). Cytogenetic location: 4q12.
Variant type: single nucleotide variant.
Coding change: c.406T>C on transcript NM_006206.6 (MANE Select); coding-DNA position 406, T replaced by C.
Protein change: p.Tyr136His; replaces tyrosine 136 with histidine.
Molecular consequence: missense variant.
Genome position (GRCh38, 1-based): chr4:54,263,705, T>C. VCF-style: chr4-54263705-T-C. GRCh37 (hg19) VCF-style: chr4-55129872-T-C.
Other names: c.406T>C, p.Tyr136His (NM_001347827.2, NM_001347829.2); c.481T>C, p.Tyr161His (NM_001347828.2); c.445T>C, p.Tyr149His (NM_001347830.2); short protein forms Y136H, Y149H, Y161H.
Identifiers: ClinVar variation 1060065 (VCV001060065.7), dbSNP rs2110250920, ClinGen allele CA356889713.